The following is an entry in ClinVar:

ClinVar aggregate classification (germline): Uncertain significance (1 of 4 stars; one submission).

Conditions:
Autoimmune lymphoproliferative syndrome, type III caused by mutation in PRKCD. Identifiers: Orphanet 3261, Orphanet 664711, MedGen C3809928, MONDO:8000024, OMIM 615559.

Allele frequency attached by ClinVar (database versions not stated): gnomAD exomes below 0.00001; TOPMed below 0.00001.
gnomAD v4.1: 3 of 1,614,126 alleles (0.00019%); highest among the groups gnomAD compares: South Asian, 0.0011%; no homozygotes.

Submission:

Labcorp Genetics (formerly Invitae), Labcorp
Classification: Uncertain significance for Autoimmune lymphoproliferative syndrome, type III caused by mutation in PRKCD. Last evaluated: 2022-02-24. Review status: criteria provided, single submitter. Criteria: Invitae Variant Classification Sherloc (09022015). Collection method: clinical testing. Allele origin: germline.
Comment: In summary, the available evidence is currently insufficient to determine the role of this variant in disease. Therefore, it has been classified as a Variant of Uncertain Significance. Algorithms developed to predict the effect of missense changes on protein structure and function are either unavailable or do not agree on the potential impact of this missense change (SIFT: "Tolerated"; PolyPhen-2: "Possibly Damaging"; Align-GVGD: "Class C0"). This variant has not been reported in the literature in individuals affected with PRKCD-related conditions. This variant is not present in population databases (gnomAD no frequency). This sequence change replaces isoleucine, which is neutral and non-polar, with valine, which is neutral and non-polar, at codon 63 of the PRKCD protein (p.Ile63Val).

NM_006254.4(PRKCD):c.187A>G (p.Ile63Val)

Gene: PRKCD (protein kinase C delta; plus strand). Cytogenetic location: 3p21.1.
Variant type: single nucleotide variant.
Coding change: c.187A>G on transcript NM_006254.4 (MANE Select); coding-DNA position 187, A replaced by G.
Protein change: p.Ile63Val; replaces isoleucine 63 with valine.
Molecular consequence: missense variant.
Genome position (GRCh38, 1-based): chr3:53,179,648, A>G. VCF-style: chr3-53179648-A-G. GRCh37 (hg19) VCF-style: chr3-53213664-A-G.
Other names: c.187A>G, p.Ile63Val (NM_001316327.2, NM_001354679.2, NM_001354680.2 and 1 more transcripts); c.244A>G, p.Ile82Val (NM_001354676.2); c.235A>G, p.Ile79Val (NM_001354678.2); short protein forms I63V, I79V, I82V.
Identifiers: ClinVar variation 2102879 (VCV002102879.4), dbSNP rs1438592483, ClinGen allele CA353233164.